The following is an entry in ClinVar:

ClinVar aggregate classification (germline): Uncertain significance (1 of 4 stars; one submission).

Allele frequency attached by ClinVar (database versions not stated): gnomAD exomes below 0.00001; TOPMed below 0.00001.
gnomAD v4.1: 1 of 1,614,086 alleles (0.000062%); highest among the groups gnomAD compares: Admixed American, 0.0017%; no homozygotes.

Submission:

Labcorp Genetics (formerly Invitae), Labcorp
Classification: Uncertain significance. Last evaluated: 2023-11-24. Review status: criteria provided, single submitter. Criteria: Invitae Variant Classification Sherloc (09022015). Collection method: clinical testing. Allele origin: germline.
Comment: This sequence change replaces threonine, which is neutral and polar, with alanine, which is neutral and non-polar, at codon 35 of the TNFRSF11B protein (p.Thr35Ala). This variant is present in population databases (no rsID available, gnomAD 0.003%). This variant has not been reported in the literature in individuals affected with TNFRSF11B-related conditions. Advanced modeling of protein sequence and biophysical properties (such as structural, functional, and spatial information, amino acid conservation, physicochemical variation, residue mobility, and thermodynamic stability) performed at Invitae indicates that this missense variant is not expected to disrupt TNFRSF11B protein function with a negative predictive value of 80%. In summary, the available evidence is currently insufficient to determine the role of this variant in disease. Therefore, it has been classified as a Variant of Uncertain Significance.

NM_002546.4(TNFRSF11B):c.103A>G (p.Thr35Ala)

Gene: TNFRSF11B (TNF receptor superfamily member 11b; minus strand). Cytogenetic location: 8q24.12.
Variant type: single nucleotide variant.
Coding change: c.103A>G on transcript NM_002546.4 (MANE Select); coding-DNA position 103, A replaced by G.
Protein change: p.Thr35Ala; replaces threonine 35 with alanine.
Molecular consequence: missense variant.
Genome position (GRCh38, 1-based): chr8:118,933,228, T>C on the plus strand (A>G on the coding strand, the complement: TNFRSF11B is on the minus strand). VCF-style: chr8-118933228-T-C. GRCh37 (hg19) VCF-style: chr8-119945467-T-C.
Other names: short protein forms T35A.
Identifiers: ClinVar variation 2716759 (VCV002716759.3), dbSNP rs1434312349, ClinGen allele CA371921034.
Genomic context (GRCh38, chr8:118,933,228, plus strand): 5'-TACAGTGTTGTTTTAGGTAGGTACCAGGAGGACATTTGTCACACAACAGCTGATGAGAGG[T>C]TTCTTCGTCATAATGAAGGTACTTTGGAGGAAACGTTTCCTGGGTGGTCCACTTAATGGA-3'
Protein context (NP_002537.3, residues 25-45): PPKYLHYDEE[Thr35Ala]SHQLLCDKCP